The following is an entry in ClinVar:

NM_003054.6(SLC18A2):c.596C>T (p.Ser199Phe)

Gene: SLC18A2 (solute carrier family 18 member A2; plus strand). Cytogenetic location: 10q25.3.
Variant type: single nucleotide variant.
Coding change: c.596C>T on transcript NM_003054.6 (MANE Select); coding-DNA position 596, C replaced by T.
Protein change: p.Ser199Phe; replaces serine 199 with phenylalanine.
Molecular consequence: missense variant.
Genome position (GRCh38, 1-based): chr10:117,254,120, C>T. VCF-style: chr10-117254120-C-T. GRCh37 (hg19) VCF-style: chr10-119013631-C-T.
Other names: short protein forms S199F.
Identifiers: ClinVar variation 3775279 (VCV003775279.1).

ClinVar aggregate classification (germline): Uncertain significance (1 of 4 stars; one submission).

Conditions:
Brain dopamine-serotonin vesicular transport disease (PKDYS2). Also called: PARKINSONISM-DYSTONIA, INFANTILE, 2; PARKINSONISM-DYSTONIA 2, INFANTILE-ONSET; BRAIN MONOAMINE VESICULAR TRANSPORT DISEASE. Identifiers: Orphanet 352649, MedGen C4303546, MONDO:0018130, OMIM 618049.

gnomAD v4.1: 1 of 1,613,300 alleles (0.000062%); highest among the groups gnomAD compares: Non-Finnish European, 0.000085%; no homozygotes.

Submission:

3billion
Classification: Uncertain significance for Brain dopamine-serotonin vesicular transport disease. Last evaluated: 2024-01-24. Review status: criteria provided, single submitter. Criteria: ACMG Guidelines, 2015. Collection method: clinical testing. Allele origin: germline. Affected: yes.
Comment: The variant is not observed in the gnomAD v2.1.1 dataset. Predicted Consequence/Location: Missense variant Damaging effect on gene or gene product predicted by in silico programs is uncertain [REVEL: 0.47 (damaging >=0.6, benign <0.4)]. Therefore, this variant is classified as VUS according to the recommendation of ACMG/AMP guideline.